The following is an entry in ClinVar:

NM_001297.5(CNGB1):c.3229C>T (p.Arg1077Trp)

Gene: CNGB1 (cyclic nucleotide gated channel subunit beta 1; minus strand). Cytogenetic location: 16q21.
Variant type: single nucleotide variant.
Coding change: c.3229C>T on transcript NM_001297.5 (MANE Select); coding-DNA position 3229, C replaced by T.
Protein change: p.Arg1077Trp; replaces arginine 1077 with tryptophan.
Molecular consequence: missense variant.
Genome position (GRCh38, 1-based): chr16:57,897,410, G>A on the plus strand (C>T on the coding strand, the complement: CNGB1 is on the minus strand). VCF-style: chr16-57897410-G-A. GRCh37 (hg19) VCF-style: chr16-57931314-G-A.
Other names: c.3211C>T, p.Arg1071Trp (NM_001286130.2); short protein forms R1071W, R1077W.
Identifiers: ClinVar variation 1043312 (VCV001043312.10), dbSNP rs201023939, ClinGen allele CA8082641.

ClinVar aggregate classification (germline): Uncertain significance. Review status: criteria provided, multiple submitters, no conflicts (2 of 4 stars). 3 submissions from 3 submitters: Uncertain significance (3). Last evaluated 2024-01-09.

Conditions:
Retinal dystrophy. Also called: Inherited retinal dystrophy. Identifiers: Orphanet 71862, MedGen C0854723, MeSH D058499, MONDO:0019118, HP:0000556.

Allele frequency attached by ClinVar (database versions not stated): gnomAD 0.00004 and 0.00007; ExAC 0.00005; gnomAD exomes 0.00005; TOPMed 0.00005; 1000 Genomes Project 0.00040; 1000 Genomes Project 30x 0.00047.
gnomAD v4.1: 82 of 1,613,998 alleles (0.0051%); highest among the groups gnomAD compares: East Asian, 0.1%; no homozygotes.

Submissions (3):

Blueprint Genetics
Classification: Uncertain significance. Last evaluated: 2024-01-09. Review status: criteria provided, single submitter. Criteria: ACMG Guidelines, 2015. Collection method: clinical testing. Allele origin: germline.

Dept Of Ophthalmology, Nagoya University
Classification: Uncertain significance for Retinal dystrophy. Last evaluated: 2023-10-01. Review status: criteria provided, single submitter. Criteria: Submitter's publication. Collection method: research. Allele origin: germline. Affected: yes.

Labcorp Genetics (formerly Invitae), Labcorp
Classification: Uncertain significance. Last evaluated: 2020-06-16. Review status: criteria provided, single submitter. Criteria: Invitae Variant Classification Sherloc (09022015). Collection method: clinical testing. Allele origin: germline.
Comment: This sequence change replaces arginine with tryptophan at codon 1077 of the CNGB1 protein (p.Arg1077Trp). The arginine residue is highly conserved and there is a moderate physicochemical difference between arginine and tryptophan. In summary, the available evidence is currently insufficient to determine the role of this variant in disease. Therefore, it has been classified as a Variant of Uncertain Significance. Algorithms developed to predict the effect of missense changes on protein structure and function (SIFT, PolyPhen-2, Align-GVGD) all suggest that this variant is likely to be disruptive, but these predictions have not been confirmed by published functional studies and their clinical significance is uncertain. This variant has not been reported in the literature in individuals with CNGB1-related conditions. This variant is present in population databases (rs201023939, ExAC 0.03%).